The following is an entry in ClinVar:

NM_001958.5(EEF1A2):c.716C>G (p.Thr239Arg)

Gene: EEF1A2 (eukaryotic translation elongation factor 1 alpha 2; minus strand). Cytogenetic location: 20q13.33.
Variant type: single nucleotide variant.
Coding change: c.716C>G on transcript NM_001958.5 (MANE Select); coding-DNA position 716, C replaced by G.
Protein change: p.Thr239Arg; replaces threonine 239 with arginine.
Molecular consequence: missense variant.
Genome position (GRCh38, 1-based): chr20:63,493,193, G>C on the plus strand (C>G on the coding strand, the complement: EEF1A2 is on the minus strand). VCF-style: chr20-63493193-G-C. GRCh37 (hg19) VCF-style: chr20-62124546-G-C.
Other names: short protein forms T239R.
Identifiers: ClinVar variation 1470375 (VCV001470375.6), dbSNP rs993963334, ClinGen allele CA409648704.

ClinVar aggregate classification (germline): Uncertain significance (1 of 4 stars; one submission).

Conditions:
Developmental and epileptic encephalopathy, 33 (DEE33). Also called: Epileptic encephalopathy, early infantile, 33. Identifiers: Orphanet 442835, MedGen C4225337, MONDO:0014625, OMIM 616409.

Submission:

Labcorp Genetics (formerly Invitae), Labcorp
Classification: Uncertain significance for Developmental and epileptic encephalopathy, 33. Last evaluated: 2021-09-09. Review status: criteria provided, single submitter. Criteria: Invitae Variant Classification Sherloc (09022015). Collection method: clinical testing. Allele origin: germline.
Comment: In summary, the available evidence is currently insufficient to determine the role of this variant in disease. Therefore, it has been classified as a Variant of Uncertain Significance. Algorithms developed to predict the effect of missense changes on protein structure and function are either unavailable or do not agree on the potential impact of this missense change (SIFT: "Not Available"; PolyPhen-2: "Benign"; Align-GVGD: "Not Available"). This variant has not been reported in the literature in individuals affected with EEF1A2-related conditions. This variant is not present in population databases (ExAC no frequency). This sequence change replaces threonine with arginine at codon 239 of the EEF1A2 protein (p.Thr239Arg). The threonine residue is moderately conserved and there is a moderate physicochemical difference between threonine and arginine.